The following is an entry in ClinVar:

ClinVar aggregate classification (germline): Uncertain significance (1 of 4 stars; one submission).

Conditions:
Kabuki syndrome. Also called: Kabuki make-up syndrome; NIIKAWA-KUROKI SYNDROME. Identifiers: Orphanet 2322, MedGen C0796004, MONDO:0016512.

Submission:

Labcorp Genetics (formerly Invitae), Labcorp
Classification: Uncertain significance for Kabuki syndrome. Last evaluated: 2022-05-21. Review status: criteria provided, single submitter. Criteria: Invitae Variant Classification Sherloc (09022015). Collection method: clinical testing. Allele origin: germline.
Comment: This sequence change replaces glycine, which is neutral and non-polar, with tryptophan, which is neutral and slightly polar, at codon 3359 of the KMT2D protein (p.Gly3359Trp). In summary, the available evidence is currently insufficient to determine the role of this variant in disease. Therefore, it has been classified as a Variant of Uncertain Significance. Advanced modeling of protein sequence and biophysical properties (such as structural, functional, and spatial information, amino acid conservation, physicochemical variation, residue mobility, and thermodynamic stability) performed at Invitae indicates that this missense variant is not expected to disrupt KMT2D protein function. This variant has not been reported in the literature in individuals affected with KMT2D-related conditions. This variant is not present in population databases (gnomAD no frequency).

NM_003482.4(KMT2D):c.10075G>T (p.Gly3359Trp)

Gene: KMT2D (lysine methyltransferase 2D; minus strand). Cytogenetic location: 12q13.12.
Variant type: single nucleotide variant.
Coding change: c.10075G>T on transcript NM_003482.4 (MANE Select); coding-DNA position 10075, G replaced by T.
Protein change: p.Gly3359Trp; replaces glycine 3359 with tryptophan.
Molecular consequence: missense variant.
Genome position (GRCh38, 1-based): chr12:49,037,281, C>A on the plus strand (G>T on the coding strand, the complement: KMT2D is on the minus strand). VCF-style: chr12-49037281-C-A. GRCh37 (hg19) VCF-style: chr12-49431064-C-A.
Other names: short protein forms G3359W.
Identifiers: ClinVar variation 1997652 (VCV001997652.4), dbSNP rs2120476711, ClinGen allele CA384732639.